The following is an entry in ClinVar:

ClinVar aggregate classification (germline): Conflicting classifications of pathogenicity. Review status: criteria provided, conflicting classifications (1 of 4 stars). 6 submissions from 2 submitters: Uncertain significance (1); Benign (2); Likely benign (3). Last evaluated 2021-05-25.

Conditions:
Myopathy, myofibrillar, 9, with early respiratory failure (MFM9). Also called: Myopathy, distal, with early respiratory failure, autosomal dominant; Hereditary myopathy with early respiratory failure; EDSTROM MYOPATHY; MYOPATHY, PROXIMAL, WITH EARLY RESPIRATORY MUSCLE INVOLVEMENT. Identifiers: Orphanet 178464, Orphanet 34521, MedGen C1863599, MONDO:0011362, OMIM 603689.
Autosomal recessive limb-girdle muscular dystrophy type 2J (LGMDR10). Also called: MUSCULAR DYSTROPHY, LIMB-GIRDLE, AUTOSOMAL RECESSIVE 10; Limb-girdle muscular dystrophy, type 2J. Identifiers: Orphanet 140922, MedGen C1837342, MONDO:0012127, OMIM 608807.
Tibial muscular dystrophy (TMD). Also called: Udd Distal Myopathy – Tibial Muscular Dystrophy; UDD MYOPATHY; Tibial muscular dystrophy, tardive. Identifiers: Orphanet 609, MedGen C1838244, MONDO:0010870, OMIM 600334.
Dilated cardiomyopathy 1G (CMD1G). Identifiers: Orphanet 154, MedGen C1858763, MONDO:0011400, OMIM 604145.
Early-onset myopathy with fatal cardiomyopathy (CMYO5). Also called: CONGENITAL MYOPATHY 5 WITH CARDIOMYOPATHY; Salih Myopathy. Identifiers: Orphanet 289377, MedGen C2673677, MONDO:0012714, OMIM 611705. Disease mechanism: loss of function.

Allele frequency attached by ClinVar (database versions not stated): 1000 Genomes Project 0.00439; gnomAD 0.00442 and 0.00471; TOPMed 0.00483; 1000 Genomes Project 30x 0.00515.

Submissions (6):

GeneDx
Classification: Likely benign. Last evaluated: 2021-05-25. Review status: criteria provided, single submitter. Criteria: GeneDx Variant Classification Process June 2021. Collection method: clinical testing. Allele origin: germline. Affected: yes.

Illumina Laboratory Services, Illumina
Classification: Likely benign for Early-onset myopathy with fatal cardiomyopathy. Last evaluated: 2018-01-13. Review status: criteria provided, single submitter. Criteria: ICSL Variant Classification Criteria 13 December 2019. Collection method: clinical testing. Allele origin: germline.
Comment: This variant was observed in the ICSL laboratory as part of a predisposition screen in an ostensibly healthy population. It had not been previously curated by ICSL or reported in the Human Gene Mutation Database (HGMD: prior to June 1st, 2018), and was therefore a candidate for classification through an automated scoring system. Utilizing variant allele frequency, disease prevalence and penetrance estimates, and inheritance mode, an automated score was calculated to assess if this variant is too frequent to cause the disease. Based on the score and internal cut-off values, a variant classified as likely benign is not then subjected to further curation. The score for this variant resulted in a classification of likely benign for this disease.

Illumina Laboratory Services, Illumina
Classification: Benign for Tibial muscular dystrophy. Last evaluated: 2018-01-13. Review status: criteria provided, single submitter. Criteria: ICSL Variant Classification Criteria 13 December 2019. Collection method: clinical testing. Allele origin: germline.
Comment: This variant was observed in the ICSL laboratory as part of a predisposition screen in an ostensibly healthy population. It had not been previously curated by ICSL or reported in the Human Gene Mutation Database (HGMD: prior to June 1st, 2018), and was therefore a candidate for classification through an automated scoring system. Utilizing variant allele frequency, disease prevalence and penetrance estimates, and inheritance mode, an automated score was calculated to assess if this variant is too frequent to cause the disease. Based on the score and internal cut-off values, a variant classified as benign is not then subjected to further curation. The score for this variant resulted in a classification of benign for this disease.

Illumina Laboratory Services, Illumina
Classification: Benign for Myopathy, myofibrillar, 9, with early respiratory failure. Last evaluated: 2018-01-13. Review status: criteria provided, single submitter. Criteria: ICSL Variant Classification Criteria 13 December 2019. Collection method: clinical testing. Allele origin: germline.
Comment: the same text as in the submission from Illumina Laboratory Services, Illumina above.

Illumina Laboratory Services, Illumina
Classification: Uncertain significance for Autosomal recessive limb-girdle muscular dystrophy type 2J. Last evaluated: 2018-01-13. Review status: criteria provided, single submitter. Criteria: ICSL Variant Classification Criteria 13 December 2019. Collection method: clinical testing. Allele origin: germline.

Illumina Laboratory Services, Illumina
Classification: Likely benign for Dilated cardiomyopathy 1G. Last evaluated: 2018-01-13. Review status: criteria provided, single submitter. Criteria: ICSL Variant Classification Criteria 13 December 2019. Collection method: clinical testing. Allele origin: germline.
Comment: the same text as in the submission from Illumina Laboratory Services, Illumina above.

NM_001267550.2(TTN):c.*587T>A

Genes: TTN (titin; minus strand), TTN-AS1 (TTN antisense RNA 1; plus strand). Cytogenetic location: 2q31.2.
Variant type: single nucleotide variant.
Coding change: c.*587T>A on transcript NM_001267550.2 (MANE Select); 587 bases downstream of the stop codon, T replaced by A.
Molecular consequence: 3 prime UTR variant.
Genome position (GRCh38, 1-based): chr2:178,526,425, A>T on the plus strand (T>A on the coding strand, the complement: TTN is on the minus strand). VCF-style: chr2-178526425-A-T. GRCh37 (hg19) VCF-style: chr2-179391152-A-T.
Other names: c.*587T>A (NM_133378.4, NM_001256850.1, NM_003319.4 and 2 more transcripts).
Identifiers: ClinVar variation 332669 (VCV000332669.6), dbSNP rs114788736, ClinGen allele CA10613196.